The following is an entry in ClinVar:

NM_005591.4(MRE11):c.121G>A (p.Asp41Asn)

Gene: MRE11 (MRE11 double strand break repair nuclease; minus strand). Cytogenetic location: 11q21.
Variant type: single nucleotide variant.
Coding change: c.121G>A on transcript NM_005591.4 (MANE Select); coding-DNA position 121, G replaced by A.
Protein change: p.Asp41Asn; replaces aspartic acid 41 with asparagine.
Molecular consequence: missense variant.
Genome position (GRCh38, 1-based): chr11:94,490,865, C>T on the plus strand (G>A on the coding strand, the complement: MRE11 is on the minus strand). VCF-style: chr11-94490865-C-T. GRCh37 (hg19) VCF-style: chr11-94224031-C-T.
Other names: p.D41N:GAT>AAT; NP_005582.1:p.Asp41Asn; c.121G>A, p.Asp41Asn (NM_001330347.2, NM_005590.4); short protein forms D41N.
Identifiers: ClinVar variation 127970 (VCV000127970.55), dbSNP rs116679717, ClinGen allele CA331830.

ClinVar aggregate classification (germline): Benign/Likely benign. Review status: criteria provided, multiple submitters, no conflicts (2 of 4 stars). 13 submissions from 13 submitters: Benign (5); Likely benign (7). 1 of the submissions does not count toward it. Last evaluated 2026-02-01.

Conditions:
Ataxia-telangiectasia-like disorder (ATLD). Identifiers: MedGen C1858391, MONDO:0011457.
Hereditary cancer-predisposing syndrome. Also called: Tumor predisposition; Hereditary neoplastic syndrome; Neoplastic Syndromes, Hereditary; Hereditary Cancer Syndrome. Identifiers: Orphanet 140162, MedGen C0027672, MeSH D009386, MONDO:0015356.
Hereditary breast ovarian cancer syndrome. Also called: Hereditary breast and ovarian cancer syndrome (HBOC); Hereditary breast and ovarian cancer; Hereditary breast and ovarian cancer syndrome; Breast and ovarian cancer; Hereditary breast and/or ovarian cancer syndrome; BRCA1- and BRCA2-Associated Hereditary Breast and Ovarian Cancer. Identifiers: Orphanet 145, MedGen C0677776, MeSH D061325, MONDO:0003582. Disease mechanism: loss of function.
Ataxia-telangiectasia-like disorder 1 (ATLD1). Identifiers: Orphanet 251347, MedGen C4012790, MONDO:0024557, OMIM 604391.

Allele frequency attached by ClinVar (database versions not stated): ExAC 0.00090; 1000 Genomes Project 30x 0.00250; 1000 Genomes Project 0.00260; ESP Exome Variant Server 0.00292; gnomAD 0.00293; TOPMed 0.00295.

Submissions (13):

Labcorp Genetics (formerly Invitae), Labcorp
Classification: Benign for Ataxia-telangiectasia-like disorder. Last evaluated: 2026-02-01. Review status: criteria provided, single submitter. Criteria: Invitae Variant Classification Sherloc (09022015). Collection method: clinical testing. Allele origin: germline.

CeGaT Center for Human Genetics Tuebingen
Classification: Likely benign. Last evaluated: 2025-10-01. Review status: criteria provided, single submitter. Criteria: CeGaT Center For Human Genetics Tuebingen Variant Classification Criteria Version 2. Collection method: clinical testing. Allele origin: germline. Affected: yes. Observed: 3 variant alleles.
Comment: MRE11: BP4, BS1

Athena Diagnostics
Classification: Benign. Last evaluated: 2024-03-01. Review status: criteria provided, single submitter. Criteria: Athena Diagnostics Criteria. Collection method: clinical testing. Allele origin: unknown.

GeneDx
Classification: Likely benign. Last evaluated: 2024-02-27. Review status: criteria provided, single submitter. Criteria: GeneDx Variant Classification Process June 2021. Collection method: clinical testing. Allele origin: germline. Affected: yes.
Comment: See Variant Classification Assertion Criteria.

Blueprint Genetics
Classification: Likely benign. Last evaluated: 2024-02-21. Review status: criteria provided, single submitter. Criteria: ACMG Guidelines, 2015. Collection method: clinical testing. Allele origin: germline.

National Health Laboratory Service, Universitas Academic Hospital and University of the Free State
Classification: Likely benign for Hereditary breast ovarian cancer syndrome. Last evaluated: 2022-04-19. Review status: criteria provided, single submitter. Criteria: ACMG Guidelines, 2015. Collection method: clinical testing. Allele origin: germline. Affected: yes. Observed: 4 variant alleles.

ARUP Laboratories, Molecular Genetics and Genomics, ARUP Laboratories
Classification: Likely benign for Ataxia-telangiectasia-like disorder 1. Last evaluated: 2020-06-19. Review status: criteria provided, single submitter. Criteria: ARUP Molecular Germline Variant Investigation Process. Collection method: clinical testing. Allele origin: germline.

Quest Diagnostics Nichols Institute San Juan Capistrano
Classification: Benign. Last evaluated: 2019-09-12. Review status: criteria provided, single submitter. Criteria: Quest Diagnostics criteria. Collection method: clinical testing. Allele origin: unknown.

Ambry Genetics
Classification: Likely benign for Hereditary cancer-predisposing syndrome. Last evaluated: 2018-12-18. Review status: criteria provided, single submitter. Criteria: Ambry Variant Classification Scheme 2023. Collection method: clinical testing. Allele origin: germline.

Women's Health and Genetics/Laboratory Corporation of America, LabCorp
Classification: Benign. Last evaluated: 2018-05-11. Review status: criteria provided, single submitter. Criteria: LabCorp Variant Classification Summary - May 2015. Collection method: clinical testing. Allele origin: germline.
Comment: Variant summary: MRE11A c.121G>A (p.Asp41Asn) results in a conservative amino acid change located in the Calcineurin-like phosphoesterase domain, ApaH type of the encoded protein sequence. Four of five in-silico tools predict a benign effect of the variant on protein function. The variant allele was found at a frequency of 0.00097 in 277088 control chromosomes in the gnomAD database, including 1 homozygotes. The observed variant frequency is approximately 15-folds higher than the estimated maximal expected allele frequency for a pathogenic variant in MRE11A causing Hereditary Breast and Ovarian Cancer phenotype (6.3e-05), strongly suggesting that the variant is benign. To our knowledge, no occurrence of c.121G>A in individuals affected with Hereditary Breast and Ovarian Cancer and no experimental evidence demonstrating its impact on protein function have been reported. Multiple ClinVar submissions from clinical diagnostic laboratories (evaluation after 2014) cite the variant as "likely benign/benign" (5x) and "uncertain significance" (1x). Based on the evidence outlined above, the variant was classified as benign.

Illumina Laboratory Services, Illumina
Classification: Likely benign for Ataxia-telangiectasia-like disorder 1. Last evaluated: 2018-01-12. Review status: criteria provided, single submitter. Criteria: ICSL Variant Classification Criteria 13 December 2019. Collection method: clinical testing. Allele origin: germline.
Comment: This variant was observed in the ICSL laboratory as part of a predisposition screen in an ostensibly healthy population. It had not been previously curated by ICSL or reported in the Human Gene Mutation Database (HGMD: prior to June 1st, 2018), and was therefore a candidate for classification through an automated scoring system. Utilizing variant allele frequency, disease prevalence and penetrance estimates, and inheritance mode, an automated score was calculated to assess if this variant is too frequent to cause the disease. Based on the score and internal cut-off values, a variant classified as likely benign is not then subjected to further curation. The score for this variant resulted in a classification of likely benign for this disease.

Eurofins Ntd Llc (ga)
Classification: Benign. Last evaluated: 2017-01-20. Review status: criteria provided, single submitter. Criteria: EGL Classification Definitions 2015. Collection method: clinical testing. Allele origin: germline. Observed: 1 variant allele, 1 heterozygote.

Counsyl
Classification: Likely benign for Ataxia-telangiectasia-like disorder 1. Last evaluated: 2016-08-12. Review status: no assertion criteria provided. Collection method: clinical testing. Allele origin: unknown. Not counted in ClinVar's aggregate classification.